The following is an entry in ClinVar:

NM_014264.5(PLK4):c.2892T>A (p.Asn964Lys)

Gene: PLK4 (polo like kinase 4; plus strand). Cytogenetic location: 4q28.1.
Variant type: single nucleotide variant.
Coding change: c.2892T>A on transcript NM_014264.5 (MANE Select); coding-DNA position 2892, T replaced by A.
Protein change: p.Asn964Lys; replaces asparagine 964 with lysine.
Molecular consequence: missense variant.
Genome position (GRCh38, 1-based): chr4:127,898,520, T>A. VCF-style: chr4-127898520-T-A. GRCh37 (hg19) VCF-style: chr4-128819675-T-A.
Other names: c.2796T>A, p.Asn932Lys (NM_001190799.2); c.2769T>A, p.Asn923Lys (NM_001190801.2); short protein forms N923K, N932K, N964K.
Identifiers: ClinVar variation 2118412 (VCV002118412.4), dbSNP rs2546028586, ClinGen allele CA358166020.

ClinVar aggregate classification (germline): Uncertain significance (1 of 4 stars; one submission).

Submission:

Labcorp Genetics (formerly Invitae), Labcorp
Classification: Uncertain significance. Last evaluated: 2022-03-27. Review status: criteria provided, single submitter. Criteria: Invitae Variant Classification Sherloc (09022015). Collection method: clinical testing. Allele origin: germline.
Comment: In summary, the available evidence is currently insufficient to determine the role of this variant in disease. Therefore, it has been classified as a Variant of Uncertain Significance. Algorithms developed to predict the effect of missense changes on protein structure and function are either unavailable or do not agree on the potential impact of this missense change (SIFT: "Deleterious"; PolyPhen-2: "Benign"; Align-GVGD: "Class C0"). This variant has not been reported in the literature in individuals affected with PLK4-related conditions. This variant is not present in population databases (gnomAD no frequency). This sequence change replaces asparagine, which is neutral and polar, with lysine, which is basic and polar, at codon 964 of the PLK4 protein (p.Asn964Lys).